The following is an entry in ClinVar:

ClinVar aggregate classification (germline): Uncertain significance (1 of 4 stars; one submission).

Conditions:
RASopathy. Also called: rasopathies; Noonan spectrum disorder. Identifiers: Orphanet 536391, MedGen C5555857, MONDO:0021060.

Submission:

Labcorp Genetics (formerly Invitae), Labcorp
Classification: Uncertain significance for RASopathy. Last evaluated: 2022-11-22. Review status: criteria provided, single submitter. Criteria: Invitae Variant Classification Sherloc (09022015). Collection method: clinical testing. Allele origin: germline.
Comment: This variant is not present in population databases (gnomAD no frequency). This sequence change replaces alanine, which is neutral and non-polar, with threonine, which is neutral and polar, at codon 165 of the SOS1 protein (p.Ala165Thr). This variant has not been reported in the literature in individuals affected with SOS1-related conditions. In summary, the available evidence is currently insufficient to determine the role of this variant in disease. Therefore, it has been classified as a Variant of Uncertain Significance. Advanced modeling of protein sequence and biophysical properties (such as structural, functional, and spatial information, amino acid conservation, physicochemical variation, residue mobility, and thermodynamic stability) performed at Invitae indicates that this missense variant is expected to disrupt SOS1 protein function.

NM_005633.4(SOS1):c.493G>A (p.Ala165Thr)

Gene: SOS1 (SOS Ras/Rac guanine nucleotide exchange factor 1; minus strand). Cytogenetic location: 2p22.1.
Variant type: single nucleotide variant.
Coding change: c.493G>A on transcript NM_005633.4 (MANE Select); coding-DNA position 493, G replaced by A.
Protein change: p.Ala165Thr; replaces alanine 165 with threonine.
Molecular consequence: missense variant.
Genome position (GRCh38, 1-based): chr2:39,056,719, C>T on the plus strand (G>A on the coding strand, the complement: SOS1 is on the minus strand). VCF-style: chr2-39056719-C-T. GRCh37 (hg19) VCF-style: chr2-39283860-C-T.
Other names: c.472G>A, p.Ala158Thr (NM_001382394.1); c.493G>A, p.Ala165Thr (NM_001382395.1); short protein forms A165T, A158T.
Identifiers: ClinVar variation 2011514 (VCV002011514.4), dbSNP rs2465354715, ClinGen allele CA346373424.